The following is an entry in ClinVar:

ClinVar aggregate classification (germline): Uncertain significance (1 of 4 stars; one submission).

Submission:

GeneDx
Classification: Uncertain significance. Last evaluated: 2025-07-30. Review status: criteria provided, single submitter. Criteria: GeneDx Variant Classification Process June 2021. Collection method: clinical testing. Allele origin: germline. Affected: yes.
Comment: Not observed at significant frequency in large population cohorts (gnomAD); In silico analysis supports that this missense variant has a deleterious effect on protein structure/function; Has not been previously published as pathogenic or benign to our knowledge

NM_001348323.3(TRIP12):c.601A>T (p.Ser201Cys)

Gene: TRIP12 (thyroid hormone receptor interactor 12; minus strand). Cytogenetic location: 2q36.3.
Variant type: single nucleotide variant.
Coding change: c.601A>T on transcript NM_001348323.3 (MANE Select); coding-DNA position 601, A replaced by T.
Protein change: p.Ser201Cys; replaces serine 201 with cysteine.
Molecular consequence: missense variant. On other transcripts: intron variant (1).
Genome position (GRCh38, 1-based): chr2:229,859,198, T>A on the plus strand (A>T on the coding strand, the complement: TRIP12 is on the minus strand). VCF-style: chr2-229859198-T-A. GRCh37 (hg19) VCF-style: chr2-230723914-T-A.
Other names: c.601A>T, p.Ser201Cys (NM_001284214.2, NM_001348315.2, NM_001348319.1 and 15 more transcripts); c.475A>T, p.Ser159Cys (NM_001284215.2, NM_001348316.2, NM_001348317.1 and 3 more transcripts); c.98+20784A>T (NM_001284216.2); short protein forms S159C, S201C.
Identifiers: ClinVar variation 4690115 (VCV004690115.1).